The following is an entry in ClinVar:

NM_000256.3(MYBPC3):c.1091-8G>A

Gene: MYBPC3 (myosin binding protein C3; minus strand). Cytogenetic location: 11p11.2.
Variant type: single nucleotide variant.
Coding change: c.1091-8G>A on transcript NM_000256.3 (MANE Select); 8 bases into the intron before coding-DNA position 1091, G replaced by A.
Molecular consequence: intron variant.
Genome position (GRCh38, 1-based): chr11:47,343,632, C>T on the plus strand (G>A on the coding strand, the complement: MYBPC3 is on the minus strand). VCF-style: chr11-47343632-C-T. GRCh37 (hg19) VCF-style: chr11-47365183-C-T.
Identifiers: ClinVar variation 919205 (VCV000919205.10), dbSNP rs749622191, ClinGen allele CA042724.

ClinVar aggregate classification (germline): Conflicting classifications of pathogenicity. Review status: criteria provided, conflicting classifications (1 of 4 stars). 6 submissions from 6 submitters: Uncertain significance (1); Likely benign (2). 3 of the submissions do not count toward it. Last evaluated 2024-10-23.

Conditions:
Cardiomyopathy (CMYO). Also called: Cardiomyopathies. Identifiers: Orphanet 167848, MedGen C0878544, MONDO:0004994, HP:0001638. Inheritance: Various modes of inheritance.
Hypertrophic cardiomyopathy. Also called: HYPERTROPHIC MYOCARDIOPATHY. Identifiers: Orphanet 217569, MedGen C0007194, MeSH D002312, MONDO:0005045, HP:0001639.

Allele frequency attached by ClinVar (database versions not stated): gnomAD exomes 0.00001; ExAC 0.00002.
gnomAD v4.1: 3 of 1,606,056 alleles (0.00019%); highest among the groups gnomAD compares: East Asian, 0.0067%; no homozygotes.

Submissions (6):

Labcorp Genetics (formerly Invitae), Labcorp
Classification: Uncertain significance for Hypertrophic cardiomyopathy. Last evaluated: 2024-10-23. Review status: criteria provided, single submitter. Criteria: Invitae Variant Classification Sherloc (09022015). Collection method: clinical testing. Allele origin: germline.
Comment: This sequence change falls in intron 12 of the MYBPC3 gene. It does not directly change the encoded amino acid sequence of the MYBPC3 protein. This variant is present in population databases (rs749622191, gnomAD 0.01%). This variant has been observed in individual(s) with hypertrophic cardiomyopathy (PMID: 32492895). ClinVar contains an entry for this variant (Variation ID: 919205). Algorithms developed to predict the effect of sequence changes on RNA splicing suggest that this variant may disrupt the consensus splice site. In summary, the available evidence is currently insufficient to determine the role of this variant in disease. Therefore, it has been classified as a Variant of Uncertain Significance.

Color Diagnostics, LLC DBA Color Health
Classification: Likely benign for Cardiomyopathy. Last evaluated: 2019-07-26. Review status: criteria provided, single submitter. Criteria: ACMG Guidelines, 2015. Collection method: clinical testing. Allele origin: germline.

GeneDx
Classification: Likely benign. Last evaluated: 2018-10-16. Review status: criteria provided, single submitter. Criteria: GeneDx Variant Classification Process June 2021. Collection method: clinical testing. Allele origin: germline. Affected: yes.
Comment: See Variant Classification Assertion Criteria.

Clinical Genetics DNA and cytogenetics Diagnostics Lab, Erasmus MC, Erasmus Medical Center
Classification: Likely benign. Review status: no assertion criteria provided. Collection method: clinical testing. Allele origin: germline. Affected: yes. Study: VKGL Data-share Consensus. Not counted in ClinVar's aggregate classification.

Genome Diagnostics Laboratory, University Medical Center Utrecht
Classification: Likely benign. Review status: no assertion criteria provided. Collection method: clinical testing. Allele origin: germline. Affected: yes. Study: VKGL Data-share Consensus. Not counted in ClinVar's aggregate classification.

Joint Genome Diagnostic Labs from Nijmegen and Maastricht, Radboudumc and MUMC+
Classification: Likely benign. Review status: no assertion criteria provided. Collection method: clinical testing. Allele origin: germline. Affected: yes. Study: VKGL Data-share Consensus. Not counted in ClinVar's aggregate classification.

Literature cited by the submitters: PubMed 32492895 (cited by Labcorp Genetics (formerly Invitae), Labcorp).